The following is an entry in ClinVar:

NC_000012.12:g.(?_88516334)_(89591295_?)del

Genes: ATP2B1 (ATPase plasma membrane Ca2+ transporting 1; minus strand), DUSP6 (dual specificity phosphatase 6; minus strand), GALNT4 (polypeptide N-acetylgalactosaminyltransferase 4; minus strand), KITLG (KIT ligand; minus strand), POC1B (POC1 centriolar protein B; minus strand) and 1 more. Cytogenetic location: 12q21.32-21.33.
Variant type: Deletion.
Identifiers: ClinVar variation 833258 (VCV000833258.7).

ClinVar aggregate classification (germline): Pathogenic (1 of 4 stars; one submission).

Submission:

Labcorp Genetics (formerly Invitae), Labcorp
Classification: Pathogenic. Last evaluated: 2022-03-17. Review status: criteria provided, single submitter. Criteria: Invitae Variant Classification Sherloc (09022015). Collection method: clinical testing. Allele origin: germline.
Comment: For these reasons, this variant has been classified as Pathogenic. This variant has not been reported in the literature in individuals affected with POC1B-related conditions. A gross deletion of the genomic region encompassing the full coding sequence of the POC1B gene has been identified. Loss-of-function variants in POC1B are known to be pathogenic (PMID: 25018096, 29220607). The boundaries of this event are unknown as they extend beyond the assayed region for this gene and therefore may encompass additional genes.

Literature cited by the submitters: PubMed 25018096; PubMed 29220607.